The following is an entry in ClinVar:

NM_004134.7(HSPA9):c.1347T>C (p.Thr449=)

Gene: HSPA9 (heat shock protein family A (Hsp70) member 9; minus strand). Cytogenetic location: 5q31.2.
Variant type: single nucleotide variant.
Coding change: c.1347T>C on transcript NM_004134.7 (MANE Select); coding-DNA position 1347, T replaced by C.
Protein change: p.Thr449=; no amino-acid change (threonine 449 retained).
Molecular consequence: synonymous variant.
Genome position (GRCh38, 1-based): chr5:138,559,927, A>G on the plus strand (T>C on the coding strand, the complement: HSPA9 is on the minus strand). VCF-style: chr5-138559927-A-G. GRCh37 (hg19) VCF-style: chr5-137895616-A-G.
Identifiers: ClinVar variation 2673029 (VCV002673029.23), dbSNP rs769930800, ClinGen allele CA3430809.

ClinVar aggregate classification (germline): Likely benign (1 of 4 stars; one submission).

Allele frequency attached by ClinVar (database versions not stated): gnomAD 0.00003; gnomAD exomes 0.00004; ExAC 0.00007.
gnomAD v4.1: 65 of 1,614,132 alleles (0.004%); highest among the groups gnomAD compares: South Asian, 0.065%; 1 homozygote.

Submission:

CeGaT Center for Human Genetics Tuebingen
Classification: Likely benign. Last evaluated: 2025-05-01. Review status: criteria provided, single submitter. Criteria: CeGaT Center For Human Genetics Tuebingen Variant Classification Criteria Version 2. Collection method: clinical testing. Allele origin: germline. Affected: yes. Observed: 2 variant alleles.
Comment: HSPA9: BP4, BP7